The following is an entry in ClinVar:

NM_002878.4(RAD51D):c.388C>T (p.Gln130Ter)

Genes: RAD51D (RAD51 paralog D; minus strand), RAD51L3-RFFL (RAD51L3-RFFL readthrough; minus strand). Cytogenetic location: 17q12.
Variant type: single nucleotide variant.
Coding change: c.388C>T on transcript NM_002878.4 (MANE Select); coding-DNA position 388, C replaced by T.
Protein change: p.Gln130Ter; replaces glutamine 130 with a stop codon.
Molecular consequence: nonsense. On other transcripts: non-coding transcript variant (1), intron variant (1).
Genome position (GRCh38, 1-based): chr17:35,107,080, G>A on the plus strand (C>T on the coding strand, the complement: RAD51D is on the minus strand). VCF-style: chr17-35107080-G-A. GRCh37 (hg19) VCF-style: chr17-33434099-G-A.
Other names: c.448C>T, p.Gln150Ter (NM_001142571.2); c.145-599C>T (NM_133629.3); short protein forms Q130*, Q150*.
Identifiers: ClinVar variation 1735878 (VCV001735878.5), dbSNP rs2142433436, ClinGen allele CA399089324.
Genomic context (GRCh38, chr17:35,107,080, plus strand): 5'-GCAGCTGGAGGAGGCGGGAAGCTGTCAGCCCTCCATTGGAATCTACATATAGGACGTTTT[G>A]CTGCAGGCCATGGGCCACATTTGCTGCCATACAGAGACATACCTGGGGGTGGGGGCATTG-3'

ClinVar aggregate classification (germline): Pathogenic/Likely pathogenic. Review status: criteria provided, multiple submitters, no conflicts (2 of 4 stars). 3 submissions from 3 submitters: Pathogenic (2); Likely pathogenic (1). Last evaluated 2023-11-19.

Conditions:
Hereditary cancer-predisposing syndrome. Also called: Neoplastic Syndromes, Hereditary; Tumor predisposition; Hereditary Cancer Syndrome; Hereditary neoplastic syndrome. Identifiers: Orphanet 140162, MedGen C0027672, MeSH D009386, MONDO:0015356.
Breast-ovarian cancer, familial, susceptibility to, 4. Identifiers: Orphanet 145, MedGen C3280345, MONDO:0013669, OMIM 614291.

Submissions (3):

Baylor Genetics
Classification: Likely pathogenic for Breast-ovarian cancer, familial, susceptibility to, 4. Last evaluated: 2023-11-19. Review status: criteria provided, single submitter. Criteria: ACMG Guidelines, 2015. Collection method: clinical testing. Allele origin: unknown.

Ambry Genetics
Classification: Pathogenic for Hereditary cancer-predisposing syndrome. Last evaluated: 2022-09-10. Review status: criteria provided, single submitter. Criteria: Ambry Variant Classification Scheme 2023. Collection method: clinical testing. Allele origin: germline.
Comment: The p.Q130* pathogenic mutation (also known as c.388C>T), located in coding exon 5 of the RAD51D gene, results from a C to T substitution at nucleotide position 388. This changes the amino acid from a glutamine to a stop codon within coding exon 5. This variant is considered to be rare based on population cohorts in the Genome Aggregation Database (gnomAD). This alteration is expected to result in loss of function by premature protein truncation or nonsense-mediated mRNA decay. As such, this alteration is interpreted as a disease-causing mutation.

Color Diagnostics, LLC DBA Color Health
Classification: Pathogenic for Hereditary cancer-predisposing syndrome. Last evaluated: 2022-03-10. Review status: criteria provided, single submitter. Criteria: ACMG Guidelines, 2015. Collection method: clinical testing. Allele origin: germline.
Comment: This variant changes 1 nucleotide in exon 5 of the RAD51D gene, creating a premature translation stop signal. This variant is expected to result in an absent or non-functional protein product. To our knowledge, this variant has not been reported in individuals affected with hereditary cancer in the literature. This variant has not been identified in the general population by the Genome Aggregation Database (gnomAD). Loss of RAD51D function is a known mechanism of disease. Based on the available evidence, this variant is classified as Pathogenic.